The following is an entry in ClinVar:

NM_014264.5(PLK4):c.17G>A (p.Gly6Glu)

Genes: PLK4 (polo like kinase 4; plus strand), LOC129993054 (ATAC-STARR-seq lymphoblastoid active region 21887; plus strand). Cytogenetic location: 4q28.1.
Variant type: single nucleotide variant.
Coding change: c.17G>A on transcript NM_014264.5 (MANE Select); coding-DNA position 17, G replaced by A.
Protein change: p.Gly6Glu; replaces glycine 6 with glutamic acid.
Molecular consequence: missense variant.
Genome position (GRCh38, 1-based): chr4:127,881,151, G>A. VCF-style: chr4-127881151-G-A. GRCh37 (hg19) VCF-style: chr4-128802306-G-A.
Other names: c.17G>A, p.Gly6Glu (NM_001190799.2); short protein forms G6E.
Identifiers: ClinVar variation 436338 (VCV000436338.42), dbSNP rs149003893, ClinGen allele CA3076447.

ClinVar aggregate classification (germline): Conflicting classifications of pathogenicity. Review status: criteria provided, conflicting classifications (1 of 4 stars). 6 submissions from 6 submitters: Uncertain significance (1); Likely benign (5). Last evaluated 2026-08-04.

Conditions:
PLK4-related disorder. Also called: PLK4-related condition.
Inborn genetic diseases. Identifiers: MedGen C0950123, MeSH D030342.

Allele frequency attached by ClinVar (database versions not stated): 1000 Genomes Project 30x 0.00031; 1000 Genomes Project 0.00040; gnomAD 0.00113 and 0.00145; gnomAD exomes 0.00119 and 0.00133; ExAC 0.00125; TOPMed 0.00162; ESP Exome Variant Server 0.00169.
gnomAD v4.1: 2,164 of 1,614,040 alleles (0.13%); highest among the groups gnomAD compares: Middle Eastern, 0.2%; 5 homozygotes.

Submissions (6):

PreventionGenetics, part of Exact Sciences
Classification: Likely benign for PLK4-related condition. Last evaluated: 2026-08-04. Review status: criteria provided, single submitter. Criteria: ACMG Guidelines, 2015. Collection method: clinical testing. Allele origin: germline.
Comment: This variant is classified as likely benign based on ACMG/AMP sequence variant interpretation guidelines (Richards et al. 2015 PMID: 25741868, with internal and published modifications).

CeGaT Center for Human Genetics Tuebingen
Classification: Likely benign. Last evaluated: 2026-05-01. Review status: criteria provided, single submitter. Criteria: CeGaT Center For Human Genetics Tuebingen Variant Classification Criteria Version 2. Collection method: clinical testing. Allele origin: germline. Affected: yes. Observed: 8 variant alleles.
Comment: PLK4: BS2

Labcorp Genetics (formerly Invitae), Labcorp
Classification: Likely benign. Last evaluated: 2026-01-20. Review status: criteria provided, single submitter. Criteria: Invitae Variant Classification Sherloc (09022015). Collection method: clinical testing. Allele origin: germline.

Blueprint Genetics
Classification: Likely benign. Last evaluated: 2024-11-26. Review status: criteria provided, single submitter. Criteria: ACMG Guidelines, 2015. Collection method: clinical testing. Allele origin: germline.

Ambry Genetics
Classification: Likely benign for Inborn genetic diseases. Last evaluated: 2022-08-17. Review status: criteria provided, single submitter. Criteria: Ambry Variant Classification Scheme 2023. Collection method: clinical testing. Allele origin: germline.

Genetic Services Laboratory, University of Chicago
Classification: Uncertain significance. Last evaluated: 2017-03-02. Review status: criteria provided, single submitter. Criteria: ACMG Guidelines, 2015. Collection method: clinical testing. Allele origin: germline. Affected: no.